The following is an entry in ClinVar:

ClinVar aggregate classification (germline): Likely benign (1 of 4 stars; one submission).

Submission:

GeneDx
Classification: Likely benign. Last evaluated: 2021-05-14. Review status: criteria provided, single submitter. Criteria: GeneDx Variant Classification Process June 2021. Collection method: clinical testing. Allele origin: germline. Affected: yes.
Comment: See Variant Classification Assertion Criteria.

NM_000322.5(PRPH2):c.*484dup

Gene: PRPH2 (peripherin 2; minus strand). Cytogenetic location: 6p21.1.
Variant type: Duplication.
Coding change: c.*484dup on transcript NM_000322.5 (MANE Select); 484 bases downstream of the stop codon, one base duplicated (T; older notation c.*484dupT).
Molecular consequence: 3 prime UTR variant.
Genome position (GRCh38, 1-based): chr6:42,697,811, A duplicated on the plus strand (T on the coding strand, the reverse complement: PRPH2 is on the minus strand); the first of 16 consecutive A bases (chr6:42,697,811-42,697,826); duplicating any one gives the same sequence. VCF-style (leftmost placement, unchanged base first): chr6-42697810-T-TA. GRCh37 (hg19) VCF-style: chr6-42665548-T-TA.
Identifiers: ClinVar variation 1683854 (VCV001683854.2), dbSNP rs55851577, ClinGen allele CA138166147.
Genomic context (GRCh38, chr6:42,697,810, plus strand): 5'-AGCGTAACTTTCCCCCAACTTCTGGCATTAAGCAAACGGCCAACCTGTCAATCTTGGCAT[T>TA]AAAAAAAAAAAAAAAAGACAACATGGCCATTTTTCAGATTTCTGTGCTTATGCACCAAGT-3'